The following is an entry in ClinVar:

ClinVar aggregate classification (germline): Pathogenic (1 of 4 stars; one submission).

Conditions:
Ataxia-telangiectasia syndrome (AT). Also called: Ataxia telangiectasia (A-T); ATAXIA-TELANGIECTASIA, COMPLEMENTATION GROUP A; ATAXIA-TELANGIECTASIA, FRESNO VARIANT; Ataxia-telangiectasia; Ataxia-telangiectasia, complementation group E; LOUIS-BAR SYNDROME. Identifiers: Orphanet 100, MedGen C0004135, MONDO:0008840, OMIM 208900.

Submission:

Labcorp Genetics (formerly Invitae), Labcorp
Classification: Pathogenic for Ataxia-telangiectasia syndrome. Last evaluated: 2020-09-29. Review status: criteria provided, single submitter. Criteria: Invitae Variant Classification Sherloc (09022015). Collection method: clinical testing. Allele origin: germline.
Comment: For these reasons, this variant has been classified as Pathogenic. This sequence change creates a premature translational stop signal (p.Ser1987Leufs*3) in the ATM gene. It is expected to result in an absent or disrupted protein product. This variant is not present in population databases (ExAC no frequency). This variant has not been reported in the literature in individuals with ATM-related conditions. Loss-of-function variants in ATM are known to be pathogenic (PMID: 23807571, 25614872).

Literature cited by the submitters: PubMed 23807571; PubMed 25614872.

NM_000051.4(ATM):c.5959del (p.Ser1987fs)

Genes: ATM (ATM serine/threonine kinase; plus strand), C11orf65 (chromosome 11 open reading frame 65; minus strand). Cytogenetic location: 11q22.3.
Variant type: Deletion.
Coding change: c.5959del on transcript NM_000051.4 (MANE Select); coding-DNA position 5959, one base deleted (T; older notation c.5959delT).
Protein change: p.Ser1987fs; shifts the reading frame from serine 1987.
Molecular consequence: frameshift variant. On other transcripts: intron variant (2).
Genome position (GRCh38, 1-based): chr11:108,312,451, T deleted; the last of 3 consecutive T bases (chr11:108,312,449-108,312,451); deleting any one gives the same sequence. VCF-style (leftmost placement, unchanged base first): chr11-108312448-AT-A. GRCh37 (hg19) VCF-style: chr11-108183175-AT-A.
Other names: c.5959del, p.Ser1987fs (NM_001351834.2); c.641-3378del (NM_001330368.2); c.*39-3378del (NM_001351110.2); short protein forms S1987fs.
Identifiers: ClinVar variation 1073406 (VCV001073406.8), dbSNP rs1555111808, ClinGen allele CA2499220672.